The following is an entry in ClinVar:

NM_000786.4(CYP51A1):c.962C>T (p.Thr321Ile)

Gene: CYP51A1 (cytochrome P450 family 51 subfamily A member 1; minus strand). Cytogenetic location: 7q21.2.
Variant type: single nucleotide variant.
Coding change: c.962C>T on transcript NM_000786.4 (MANE Select); coding-DNA position 962, C replaced by T.
Protein change: p.Thr321Ile; replaces threonine 321 with isoleucine.
Molecular consequence: missense variant.
Genome position (GRCh38, 1-based): chr7:92,123,244, G>A on the plus strand (C>T on the coding strand, the complement: CYP51A1 is on the minus strand). VCF-style: chr7-92123244-G-A. GRCh37 (hg19) VCF-style: chr7-91752558-G-A.
Other names: c.647C>T, p.Thr216Ile (NM_001146152.2); short protein forms T321I, T216I.
Identifiers: ClinVar variation 4719098 (VCV004719098.1).

ClinVar aggregate classification (germline): Uncertain significance (1 of 4 stars; one submission).

Submission:

Labcorp Genetics (formerly Invitae), Labcorp
Classification: Uncertain significance. Last evaluated: 2025-05-06. Review status: criteria provided, single submitter. Criteria: Invitae Variant Classification Sherloc (09022015). Collection method: clinical testing. Allele origin: germline.
Comment: This sequence change replaces threonine, which is neutral and polar, with isoleucine, which is neutral and non-polar, at codon 321 of the CYP51A1 protein (p.Thr321Ile). This variant is present in population databases (no rsID available, gnomAD 0.003%). This variant has not been reported in the literature in individuals affected with CYP51A1-related conditions. An algorithm developed to predict the effect of missense changes on protein structure and function (PolyPhen-2) suggests that this variant is likely to be disruptive. In summary, the available evidence is currently insufficient to determine the role of this variant in disease. Therefore, it has been classified as a Variant of Uncertain Significance.